The following is an entry in ClinVar:

NM_001082971.2(DDC):c.1379T>G (p.Val460Gly)

Gene: DDC (dopa decarboxylase; minus strand). Cytogenetic location: 7p12.2.
Variant type: single nucleotide variant.
Coding change: c.1379T>G on transcript NM_001082971.2 (MANE Select); coding-DNA position 1379, T replaced by G.
Protein change: p.Val460Gly; replaces valine 460 with glycine.
Molecular consequence: missense variant.
Genome position (GRCh38, 1-based): chr7:50,463,295, A>C on the plus strand (T>G on the coding strand, the complement: DDC is on the minus strand). VCF-style: chr7-50463295-A-C. GRCh37 (hg19) VCF-style: chr7-50530993-A-C.
Other names: c.1379T>G, p.Val460Gly (NM_000790.4); c.1265T>G, p.Val422Gly (NM_001242886.2); c.1235T>G, p.Val412Gly (NM_001242887.2); c.1145T>G, p.Val382Gly (NM_001242888.2); c.1100T>G, p.Val367Gly (NM_001242889.2); short protein forms V422G, V460G, V367G, V382G, V412G.
Identifiers: ClinVar variation 2136537 (VCV002136537.4), dbSNP rs1286803002, ClinGen allele CA367527501.

ClinVar aggregate classification (germline): Uncertain significance (1 of 4 stars; one submission).

Conditions:
Deficiency of aromatic-L-amino-acid decarboxylase. Also called: Aromatic amino acid decarboxylase deficiency; AADC DEFICIENCY; DDC DEFICIENCY; DOPA DECARBOXYLASE DEFICIENCY; Aromatic L-Amino Acid Decarboxylase Deficiency. Identifiers: Orphanet 35708, MedGen C1291564, MONDO:0012084, OMIM 608643.

Allele frequency attached by ClinVar (database versions not stated): TOPMed 0.00002.

Submission:

Labcorp Genetics (formerly Invitae), Labcorp
Classification: Uncertain significance for Deficiency of aromatic-L-amino-acid decarboxylase. Last evaluated: 2022-02-14. Review status: criteria provided, single submitter. Criteria: Invitae Variant Classification Sherloc (09022015). Collection method: clinical testing. Allele origin: germline.
Comment: This sequence change replaces valine, which is neutral and non-polar, with glycine, which is neutral and non-polar, at codon 460 of the DDC protein (p.Val460Gly). This variant is not present in population databases (gnomAD no frequency). This missense change has been observed in individual(s) with aromatic L-amino acid decarboxylase deficiency (PMID: 17240182, 27147232). Algorithms developed to predict the effect of missense changes on protein structure and function (SIFT, PolyPhen-2, Align-GVGD) all suggest that this variant is likely to be disruptive. In summary, the available evidence is currently insufficient to determine the role of this variant in disease. Therefore, it has been classified as a Variant of Uncertain Significance.

Literature cited by the submitters: PubMed 17240182; PubMed 27147232.